The following is an entry in ClinVar:

ClinVar aggregate classification (germline): Uncertain significance. Review status: criteria provided, multiple submitters, no conflicts (2 of 4 stars). 2 submissions from 2 submitters: Uncertain significance (2). Last evaluated 2024-09-11.

Conditions:
Developmental and epileptic encephalopathy. Identifiers: MedGen C5779964, MONDO:0100620.
Inborn genetic diseases. Identifiers: MedGen C0950123, MeSH D030342.

Allele frequency attached by ClinVar (database versions not stated): TOPMed 0.00003; gnomAD 0.00004; gnomAD exomes 0.00004 and 0.00008; ExAC 0.00017.
gnomAD v4.1: 64 of 1,608,536 alleles (0.004%); highest among the groups gnomAD compares: African/African-American, 0.012%; no homozygotes.

Submissions (2):

Ambry Genetics
Classification: Uncertain significance for Inborn genetic diseases. Last evaluated: 2024-09-11. Review status: criteria provided, single submitter. Criteria: Ambry Variant Classification Scheme 2023. Collection method: clinical testing. Allele origin: germline.

Labcorp Genetics (formerly Invitae), Labcorp
Classification: Uncertain significance for Early-infantile DEE. Last evaluated: 2023-10-03. Review status: criteria provided, single submitter. Criteria: Invitae Variant Classification Sherloc (09022015). Collection method: clinical testing. Allele origin: germline.
Comment: This sequence change replaces arginine, which is basic and polar, with glutamine, which is neutral and polar, at codon 179 of the SLC25A22 protein (p.Arg179Gln). This variant is present in population databases (rs756506540, gnomAD 0.02%). This variant has not been reported in the literature in individuals affected with SLC25A22-related conditions. ClinVar contains an entry for this variant (Variation ID: 656611). Advanced modeling of protein sequence and biophysical properties (such as structural, functional, and spatial information, amino acid conservation, physicochemical variation, residue mobility, and thermodynamic stability) performed at Invitae indicates that this missense variant is not expected to disrupt SLC25A22 protein function. In summary, the available evidence is currently insufficient to determine the role of this variant in disease. Therefore, it has been classified as a Variant of Uncertain Significance.

NM_001191061.2(SLC25A22):c.536G>A (p.Arg179Gln)

Gene: SLC25A22 (solute carrier family 25 member 22; minus strand). Cytogenetic location: 11p15.5.
Variant type: single nucleotide variant.
Coding change: c.536G>A on transcript NM_001191061.2 (MANE Select); coding-DNA position 536, G replaced by A.
Protein change: p.Arg179Gln; replaces arginine 179 with glutamine.
Molecular consequence: missense variant.
Genome position (GRCh38, 1-based): chr11:792,604, C>T on the plus strand (G>A on the coding strand, the complement: SLC25A22 is on the minus strand). VCF-style: chr11-792604-C-T. GRCh37 (hg19) VCF-style: chr11-792604-C-T.
Other names: c.536G>A, p.Arg179Gln (NM_001191060.2, NM_024698.6); short protein forms R179Q.
Identifiers: ClinVar variation 656611 (VCV000656611.8), dbSNP rs756506540, ClinGen allele CA5789157.